The following is an entry in ClinVar:

ClinVar aggregate classification (germline): Benign (1 of 4 stars; one submission).

Conditions:
Paroxysmal nonkinesigenic dyskinesia 1 (PNKD1). Also called: PxMD-PNKD; MOUNT-REBACK SYNDROME; PAROXYSMAL DYSTONIC CHOREOATHETOSIS; Familial Paroxysmal Nonkinesigenic Dyskinesia; Nonkinesigenic choreoathetosis; Familial paroxysmal choreoathetosis. Identifiers: Orphanet 98810, MedGen C4551506, MONDO:0700089, OMIM 118800, MONDO:0007326.

Allele frequency attached by ClinVar (database versions not stated): TOPMed 0.00089; gnomAD 0.00102 and 0.00123; 1000 Genomes Project 30x 0.00297; 1000 Genomes Project 0.00300; gnomAD exomes 0.00442.
gnomAD v4.1: 194 of 154,032 alleles (0.13%); highest among the groups gnomAD compares: East Asian, 1.6%; 2 homozygotes.

Submission:

Illumina Laboratory Services, Illumina
Classification: Benign for Paroxysmal nonkinesigenic dyskinesia 1. Last evaluated: 2018-01-12. Review status: criteria provided, single submitter. Criteria: ICSL Variant Classification Criteria 13 December 2019. Collection method: clinical testing. Allele origin: germline.
Comment: This variant was observed in the ICSL laboratory as part of a predisposition screen in an ostensibly healthy population. It had not been previously curated by ICSL or reported in the Human Gene Mutation Database (HGMD: prior to June 1st, 2018), and was therefore a candidate for classification through an automated scoring system. Utilizing variant allele frequency, disease prevalence and penetrance estimates, and inheritance mode, an automated score was calculated to assess if this variant is too frequent to cause the disease. Based on the score and internal cut-off values, a variant classified as benign is not then subjected to further curation. The score for this variant resulted in a classification of benign for this disease.

NM_015488.5(PNKD):c.*1549G>A

Genes: CATIP-AS2 (CATIP antisense RNA 2; minus strand), PNKD (PNKD metallo-beta-lactamase domain containing; plus strand). Cytogenetic location: 2q35.
Variant type: single nucleotide variant.
Coding change: c.*1549G>A on transcript NM_015488.5 (MANE Select); 1549 bases downstream of the stop codon, G replaced by A.
Molecular consequence: 3 prime UTR variant.
Genome position (GRCh38, 1-based): chr2:218,346,530, G>A. VCF-style: chr2-218346530-G-A. GRCh37 (hg19) VCF-style: chr2-219211253-G-A.
Other names: c.*1549G>A (NM_022572.5).
Identifiers: ClinVar variation 897461 (VCV000897461.4), dbSNP rs79061826, ClinGen allele CA65763077.